The following is an entry in ClinVar:

NC_000011.9:g.(?_111171709)_(111965694_?)dup

Genes: ALG9 (ALG9 alpha-1,2-mannosyltransferase; minus strand), BTG4 (BTG anti-proliferation factor 4; minus strand), C11orf52 (chromosome 11 open reading frame 52; plus strand), CFAP68 (cilia and flagella associated protein 68; plus strand), CRYAB (crystallin alpha B; minus strand) and 17 more. Cytogenetic location: 11q23.1.
Variant type: Duplication.
Identifiers: ClinVar variation 1003647 (VCV001003647.1).

ClinVar aggregate classification (germline): Uncertain significance (1 of 4 stars; one submission).

Conditions:
Carney-Stratakis syndrome. Also called: PARAGANGLIOMA AND GASTROINTESTINAL STROMAL TUMOR. Identifiers: Orphanet 97286, MedGen C1847319, MONDO:0011740, OMIM 606864.
Pheochromocytoma/paraganglioma syndrome 1. Also called: Paraganglioma - glomus jugulare; SDHD-Related Hereditary Paraganglioma-Pheochromocytoma Syndrome; PARAGANGLIOMAS, FAMILIAL NONCHROMAFFIN, 1; PGL 1; Paragangliomas familial 1; PARAGANGLIOMATA. Identifiers: Orphanet 29072, MedGen C3494181, MONDO:0008192, OMIM 168000.
Pheochromocytoma. Also called: MAX-Related Hereditary Paraganglioma-Pheochromocytoma Syndrome. Identifiers: Orphanet 29072, MedGen C0031511, MONDO:0008233, OMIM 171300, HP:0002666.
Cowden syndrome 3 (CWS3). Identifiers: Orphanet 201, MedGen CN166604, MONDO:0014045.

Submission:

Labcorp Genetics (formerly Invitae), Labcorp
Classification: Uncertain significance for Carney-Stratakis syndrome; Paragangliomas with sensorineural hearing loss; Pheochromocytoma; Cowden syndrome 3. Last evaluated: 2020-02-17. Review status: criteria provided, single submitter. Criteria: Invitae Variant Classification Sherloc (09022015). Collection method: clinical testing. Allele origin: germline.
Comment: This variant results in a copy number gain of the genomic region encompassing the full coding sequence of the SDHD gene. The boundaries of this event are unknown as they extend beyond the assayed region for this gene and therefore may encompass additional genes. As the precise location of this event is unknown, it may be in tandem or it may be located elsewhere in the genome. This variant has not been reported in the literature in individuals with SDHD-related conditions. In summary, the available evidence is currently insufficient to determine the role of this variant in disease. Therefore, it has been classified as a Variant of Uncertain Significance.